The following is an entry in ClinVar:

ClinVar aggregate classification (germline): Uncertain significance (1 of 4 stars; one submission).

Submission:

Labcorp Genetics (formerly Invitae), Labcorp
Classification: Uncertain significance. Last evaluated: 2024-02-17. Review status: criteria provided, single submitter. Criteria: Invitae Variant Classification Sherloc (09022015). Collection method: clinical testing. Allele origin: germline.
Comment: This sequence change replaces aspartic acid, which is acidic and polar, with alanine, which is neutral and non-polar, at codon 105 of the EPS8L2 protein (p.Asp105Ala). This variant is not present in population databases (gnomAD no frequency). This variant has not been reported in the literature in individuals affected with EPS8L2-related conditions. ClinVar contains an entry for this variant (Variation ID: 2091155). An algorithm developed to predict the effect of missense changes on protein structure and function (PolyPhen-2) suggests that this variant is likely to be disruptive. In summary, the available evidence is currently insufficient to determine the role of this variant in disease. Therefore, it has been classified as a Variant of Uncertain Significance.

NM_022772.4(EPS8L2):c.314A>C (p.Asp105Ala)

Gene: EPS8L2 (EPS8 signaling adaptor L2; plus strand). Cytogenetic location: 11p15.5.
Variant type: single nucleotide variant.
Coding change: c.314A>C on transcript NM_022772.4 (MANE Select); coding-DNA position 314, A replaced by C.
Protein change: p.Asp105Ala; replaces aspartic acid 105 with alanine.
Molecular consequence: missense variant.
Genome position (GRCh38, 1-based): chr11:720,210, A>C. VCF-style: chr11-720210-A-C. GRCh37 (hg19) VCF-style: chr11-720210-A-C.
Other names: short protein forms D105A.
Identifiers: ClinVar variation 2091155 (VCV002091155.4), dbSNP rs2494629199, ClinGen allele CA378962724.
Genomic context (GRCh38, chr11:720,210, plus strand): 5'-AGAAGATCTGGACCCAGGAGATGCTGCTGCAGGTGAACGACCAGTCGCTGCGGCTGCTGG[A>C]CATCGAGTCACAGGTGGGGCCCAGCGCCACGGGGGACAGGGAGCACAGTGGGTAGAGGCG-3'
Protein context (NP_073609.2, residues 95-115): QVNDQSLRLL[Asp105Ala]IESQEELEDF